The following is an entry in ClinVar:

NM_004304.5(ALK):c.3553del (p.Gly1184_Val1185insTer)

Gene: ALK (ALK receptor tyrosine kinase; minus strand). Cytogenetic location: 2p23.2.
Variant type: Deletion.
Coding change: c.3553del on transcript NM_004304.5 (MANE Select); coding-DNA position 3553, one base deleted (G; older notation c.3553delG).
Protein change: p.Gly1184_Val1185insTer.
Molecular consequence: nonsense.
Genome position (GRCh38, 1-based): chr2:29,220,798, C deleted on the plus strand (G on the coding strand, the reverse complement: ALK is on the minus strand); the first of 4 consecutive C bases (chr2:29,220,798-29,220,801); deleting any one gives the same sequence. VCF-style (leftmost placement, unchanged base first): chr2-29220797-AC-A. GRCh37 (hg19) VCF-style: chr2-29443663-AC-A.
Other names: c.349del, p.Gly116_Val117insTer (NM_001353765.2).
Identifiers: ClinVar variation 2022776 (VCV002022776.4), dbSNP rs2465945675, ClinGen allele CA2580066338.

ClinVar aggregate classification (germline): Uncertain significance (1 of 4 stars; one submission).

Conditions:
Neuroblastoma, susceptibility to, 3. Also called: ALK-Related Neuroblastic Tumor Susceptibility. Identifiers: Orphanet 635, MedGen C2751681, MONDO:0013083, OMIM 613014.

Submission:

Labcorp Genetics (formerly Invitae), Labcorp
Classification: Uncertain significance for Neuroblastoma, susceptibility to, 3. Last evaluated: 2022-08-08. Review status: criteria provided, single submitter. Criteria: Invitae Variant Classification Sherloc (09022015). Collection method: clinical testing. Allele origin: germline.
Comment: In summary, the available evidence is currently insufficient to determine the role of this variant in disease. Therefore, it has been classified as a Variant of Uncertain Significance. This variant has not been reported in the literature in individuals affected with ALK-related conditions. This variant is not present in population databases (gnomAD no frequency). This sequence change creates a premature translational stop signal (p.Val1185*) in the ALK gene. It is expected to result in an absent or disrupted protein product. However, the current clinical and genetic evidence is not sufficient to establish whether loss-of-function variants in ALK cause disease.